The following is an entry in ClinVar:

ClinVar aggregate classification (germline): Uncertain significance (1 of 4 stars; one submission).

Conditions:
Emery-Dreifuss muscular dystrophy 5, autosomal dominant (EDMD5). Also called: EMERY-DREIFUSS MUSCULAR DYSTROPHY 5. Identifiers: Orphanet 261, MedGen C2751805, MONDO:0013072, OMIM 612999.

Submission:

Labcorp Genetics (formerly Invitae), Labcorp
Classification: Uncertain significance for Emery-Dreifuss muscular dystrophy 5, autosomal dominant. Last evaluated: 2024-07-22. Review status: criteria provided, single submitter. Criteria: Invitae Variant Classification Sherloc (09022015). Collection method: clinical testing. Allele origin: germline.
Comment: This variant, c.7931_7932insTCTACAGTTGCAACA, results in the insertion of 5 amino acid(s) of the SYNE2 protein (p.Gln2643_Gln2644insHisLeuGlnLeuGln), but otherwise preserves the integrity of the reading frame. This variant is not present in population databases (gnomAD no frequency). This variant has not been reported in the literature in individuals affected with SYNE2-related conditions. ClinVar contains an entry for this variant (Variation ID: 1442212). In summary, the available evidence is currently insufficient to determine the role of this variant in disease. Therefore, it has been classified as a Variant of Uncertain Significance.

NM_182914.3(SYNE2):c.7931_7932insTCTACAGTTGCAACA (p.Gln2643_Gln2644insHisLeuGlnLeuGln)

Gene: SYNE2 (spectrin repeat containing nuclear envelope protein 2; plus strand). Cytogenetic location: 14q23.2.
Variant type: Insertion.
Coding change: c.7931_7932insTCTACAGTTGCAACA on transcript NM_182914.3 (MANE Select); coding-DNA positions 7931 to 7932, TCTACAGTTGCAACA inserted.
Protein change: p.Gln2643_Gln2644insHisLeuGlnLeuGln.
Molecular consequence: inframe insertion.
Genome position: GRCh38 VCF-style: chr14-64051837-C-CTGCAACATCTACAGT. GRCh37 (hg19) VCF-style: chr14-64518555-C-CTGCAACATCTACAGT.
Other names: c.7931_7932insTCTACAGTTGCAACA, p.Gln2643_Gln2644insHisLeuGlnLeuGln (NM_015180.6).
Identifiers: ClinVar variation 1442212 (VCV001442212.8), dbSNP rs2097229779, ClinGen allele CA963991957.